The following is an entry in ClinVar:

ClinVar aggregate classification (germline): Uncertain significance (1 of 4 stars; one submission).

gnomAD v4.1: 2 of 1,613,416 alleles (0.00012%); highest among the groups gnomAD compares: Non-Finnish European, 0.00017%; no homozygotes.

Submission:

Dasa
Classification: Uncertain significance. Last evaluated: 2025-01-31. Review status: criteria provided, single submitter. Criteria: DASA Assertion Criteria. Collection method: clinical testing. Allele origin: germline.
Comment: NM_001267550.2(TTN):c.60500C>G (p.Thr20167Ser) is a missense variant that results in the substitution of threonine with serine. This variant is rare in population databases. The currently available literature and clinical evidence are not sufficient to establish a definitive association between this variant and the reported condition. Therefore, this variant is classified as a variant of uncertain significance.

NM_001267550.2(TTN):c.60500C>G (p.Thr20167Ser)

Genes: TTN (titin; minus strand), TTN-AS1 (TTN antisense RNA 1; plus strand). Cytogenetic location: 2q31.2.
Variant type: single nucleotide variant.
Coding change: c.60500C>G on transcript NM_001267550.2 (MANE Select); coding-DNA position 60500, C replaced by G.
Protein change: p.Thr20167Ser; replaces threonine 20167 with serine.
Molecular consequence: missense variant. On other transcripts: non-coding transcript variant (1).
Genome position (GRCh38, 1-based): chr2:178,591,225, G>C on the plus strand (C>G on the coding strand, the complement: TTN is on the minus strand). VCF-style: chr2-178591225-G-C. GRCh37 (hg19) VCF-style: chr2-179455952-G-C.
Other names: c.55577C>G, p.Thr18526Ser (NM_001256850.1); c.33305C>G, p.Thr11102Ser (NM_003319.4); c.52796C>G, p.Thr17599Ser (NM_133378.4); c.33680C>G, p.Thr11227Ser (NM_133432.3); c.33881C>G, p.Thr11294Ser (NM_133437.4); short protein forms T11102S, T11227S, T11294S, T17599S, T18526S, T20167S.
Identifiers: ClinVar variation 4882050 (VCV004882050.2).
Genomic context (GRCh38, chr2:178,591,225, plus strand): 5'-TCAGGAGTAACATCCAGAATATTAATAGGACCTGTTGGTGGCCCAGGAACATCAAGAACA[G>C]TAAGATGTACGGCTACTGTTTTGCTACCGGCTGCATTGGAAACTGTGATTTGATATTCCC-3'
Protein context (NP_001254479.2, residues 20157-20177): AGSKTVAVHL[Thr20167Ser]VLDVPGPPTG